The following is an entry in ClinVar:

NC_000006.11:g.(?_65596570)_(65622656_?)dup

Gene: EYS (eyes shut homolog; minus strand). Cytogenetic location: 6q12.
Variant type: Duplication.
Identifiers: ClinVar variation 3246138 (VCV003246138.1).

ClinVar aggregate classification (germline): Likely pathogenic (1 of 4 stars; one submission).

Submission:

Labcorp Genetics (formerly Invitae), Labcorp
Classification: Likely pathogenic. Last evaluated: 2022-07-18. Review status: criteria provided, single submitter. Criteria: Invitae Variant Classification Sherloc (09022015). Collection method: clinical testing. Allele origin: unknown.
Comment: Experimental studies and prediction algorithms are not available or were not evaluated, and the functional significance of this variant is currently unknown. In summary, the currently available evidence indicates that the variant is pathogenic, but additional data are needed to prove that conclusively. Therefore, this variant has been classified as Likely Pathogenic. This variant has not been reported in the literature in individuals affected with EYS-related conditions. This variant results in a copy number gain of the genomic region encompassing exon(s) 16-19 of the EYS gene. While the exact position of this variant cannot be determined from the data, sub-genic copy number gains are generally in tandem (PMID: 25640679). This variant is predicted to be out-of-frame, and may result in an absent or disrupted protein product. Loss-of-function variants in EYS are known to be pathogenic (PMID: 18836446, 20333770).

Literature cited by the submitters: PubMed 25640679; PubMed 18836446; PubMed 20333770.